The following is an entry in ClinVar:

ClinVar aggregate classification (germline): Uncertain significance (1 of 4 stars; one submission).

gnomAD v4.1: 49 of 1,612,542 alleles (0.003%); highest among the groups gnomAD compares: Non-Finnish European, 0.0038%; no homozygotes.

Submission:

Dasa
Classification: Uncertain significance. Last evaluated: 2026-04-14. Review status: criteria provided, single submitter. Criteria: DASA Assertion Criteria. Collection method: clinical testing. Allele origin: germline.
Comment: NM_001206999.2(CIT):c.2089C>T (p.Arg697Cys) is a missense variant that results in the substitution of arginine with cysteine. This variant is rare in population databases. The currently available literature and clinical evidence are not sufficient to establish a definitive association between this variant and the reported condition. Therefore, this variant is classified as a variant of uncertain significance.

NM_001206999.2(CIT):c.2089C>T (p.Arg697Cys)

Gene: CIT (citron rho-interacting serine/threonine kinase; minus strand). Cytogenetic location: 12q24.23.
Variant type: single nucleotide variant.
Coding change: c.2089C>T on transcript NM_001206999.2 (MANE Select); coding-DNA position 2089, C replaced by T.
Protein change: p.Arg697Cys; replaces arginine 697 with cysteine.
Molecular consequence: missense variant. On other transcripts: intron variant (1).
Genome position (GRCh38, 1-based): chr12:119,770,904, G>A on the plus strand (C>T on the coding strand, the complement: CIT is on the minus strand). VCF-style: chr12-119770904-G-A. GRCh37 (hg19) VCF-style: chr12-120208708-G-A.
Other names: c.2082+1866C>T (NM_007174.3); short protein forms R697C.
Identifiers: ClinVar variation 4885712 (VCV004885712.2).
Genomic context (GRCh38, chr12:119,770,904, plus strand): 5'-GTCTGTTTTCTCTACGCTCCATGGTCTCTAGTCTCTTTACCTTGTTCTCCAGAGAATGGC[G>A]GCGTTCCTGTAGATCATGAATCAATCAGAGAGTTTTAATGGAGTAACCGCTATGGGCATA-3'
Protein context (NP_001193928.1, residues 687-707): RKKLVEAEER[Arg697Cys]HSLENKVKRL